The following is an entry in ClinVar:

ClinVar aggregate classification (germline): Likely benign. Review status: criteria provided, single submitter (1 of 4 stars). 2 submissions from 2 submitters: Likely benign (1). 1 of the submissions does not count toward it. Last evaluated 2025-02-01.

Conditions:
PTPRU-related disorder. Also called: PTPRU-related condition.

Allele frequency attached by ClinVar (database versions not stated): 1000 Genomes Project 0.00140; 1000 Genomes Project 30x 0.00141; TOPMed 0.00364; ExAC 0.00373; gnomAD 0.00409; ESP Exome Variant Server 0.00461.
gnomAD v4.1: 9,563 of 1,613,064 alleles (0.59%); highest among the groups gnomAD compares: Non-Finnish European, 0.76%; 49 homozygotes.

Submissions (2):

CeGaT Center for Human Genetics Tuebingen
Classification: Likely benign. Last evaluated: 2025-02-01. Review status: criteria provided, single submitter. Criteria: CeGaT Center For Human Genetics Tuebingen Variant Classification Criteria Version 2. Collection method: clinical testing. Allele origin: germline. Affected: yes. Observed: 2 variant alleles.
Comment: PTPRU: BS2

PreventionGenetics, part of Exact Sciences
Classification: Benign for PTPRU-related condition. Last evaluated: 2024-01-17. Review status: no assertion criteria provided. Collection method: clinical testing. Allele origin: germline. Not counted in ClinVar's aggregate classification.
Comment: This variant is classified as benign based on ACMG/AMP sequence variant interpretation guidelines (Richards et al. 2015 PMID: 25741868, with internal and published modifications).

NM_133178.4(PTPRU):c.1898G>A (p.Arg633Gln)

Gene: PTPRU (protein tyrosine phosphatase receptor type U; plus strand). Cytogenetic location: 1p35.3.
Variant type: single nucleotide variant.
Coding change: c.1898G>A on transcript NM_133178.4 (MANE Select); coding-DNA position 1898, G replaced by A.
Protein change: p.Arg633Gln; replaces arginine 633 with glutamine.
Molecular consequence: missense variant.
Genome position (GRCh38, 1-based): chr1:29,282,705, G>A. VCF-style: chr1-29282705-G-A. GRCh37 (hg19) VCF-style: chr1-29609217-G-A.
Other names: c.1898G>A (NM_005704.4); c.1898G>A, p.Arg633Gln (NM_001195001.2, NM_005704.5, NM_133177.4); short protein forms R633Q.
Identifiers: ClinVar variation 2638588 (VCV002638588.25), dbSNP rs141378439, ClinGen allele CA726495.